The following is an entry in ClinVar:

NM_001267550.2(TTN):c.12024C>T (p.Leu4008=)

Gene: TTN (titin; minus strand). Cytogenetic location: 2q31.2.
Variant type: single nucleotide variant.
Coding change: c.12024C>T on transcript NM_001267550.2 (MANE Select); coding-DNA position 12024, C replaced by T.
Protein change: p.Leu4008=; no amino-acid change (leucine 4008 retained).
Molecular consequence: synonymous variant. On other transcripts: intron variant (1).
Genome position (GRCh38, 1-based): chr2:178,741,209, G>A on the plus strand (C>T on the coding strand, the complement: TTN is on the minus strand). VCF-style: chr2-178741209-G-A. GRCh37 (hg19) VCF-style: chr2-179605936-G-A.
Other names: c.11073C>T, p.Leu3691= (NM_001256850.1); c.10935C>T, p.Leu3645= (NM_003319.4); c.11310C>T, p.Leu3770= (NM_133432.3); c.11511C>T, p.Leu3837= (NM_133437.4); c.10361-2849C>T (NM_133378.4).
Identifiers: ClinVar variation 466796 (VCV000466796.23), dbSNP rs371694842, ClinGen allele CA2002773.

ClinVar aggregate classification (germline): Benign/Likely benign. Review status: criteria provided, multiple submitters, no conflicts (2 of 4 stars). 10 submissions from 7 submitters: Benign (5); Likely benign (5). Last evaluated 2026-02-02.

Conditions:
Autosomal recessive limb-girdle muscular dystrophy type 2J (LGMDR10). Also called: Limb-girdle muscular dystrophy, type 2J; MUSCULAR DYSTROPHY, LIMB-GIRDLE, AUTOSOMAL RECESSIVE 10. Identifiers: Orphanet 140922, MedGen C1837342, MONDO:0012127, OMIM 608807.
Dilated cardiomyopathy 1G (CMD1G). Identifiers: Orphanet 154, MedGen C1858763, MONDO:0011400, OMIM 604145.
TTN-related disorder. Also called: TTN-related condition; TTN-related disease; TTN-related disorders.
Cardiovascular phenotype. Identifiers: MedGen CN230736.
Early-onset myopathy with fatal cardiomyopathy (CMYO5). Also called: Salih Myopathy; CONGENITAL MYOPATHY 5 WITH CARDIOMYOPATHY. Identifiers: Orphanet 289377, MedGen C2673677, MONDO:0012714, OMIM 611705. Disease mechanism: loss of function.
Tibial muscular dystrophy (TMD). Also called: Udd Distal Myopathy – Tibial Muscular Dystrophy; UDD MYOPATHY; Tibial muscular dystrophy, tardive. Identifiers: Orphanet 609, MedGen C1838244, MONDO:0010870, OMIM 600334.
Myopathy, myofibrillar, 9, with early respiratory failure (MFM9). Also called: Hereditary myopathy with early respiratory failure; MYOPATHY, PROXIMAL, WITH EARLY RESPIRATORY MUSCLE INVOLVEMENT; EDSTROM MYOPATHY; Myopathy, distal, with early respiratory failure, autosomal dominant. Identifiers: Orphanet 178464, Orphanet 34521, MedGen C1863599, MONDO:0011362, OMIM 603689.

Allele frequency attached by ClinVar (database versions not stated): gnomAD exomes 0.00004 and 0.00009; ExAC 0.00012; 1000 Genomes Project 30x 0.00031; TOPMed 0.00033; gnomAD 0.00036 and 0.00037; 1000 Genomes Project 0.00040; ESP Exome Variant Server 0.00050.

Submissions (10):

PreventionGenetics, part of Exact Sciences
Classification: Likely benign for TTN-related condition. Last evaluated: 2026-02-02. Review status: criteria provided, single submitter. Criteria: ACMG Guidelines, 2015. Collection method: clinical testing. Allele origin: germline.
Comment: This variant is classified as likely benign based on ACMG/AMP sequence variant interpretation guidelines (Richards et al. 2015 PMID: 25741868, with internal and published modifications).

Labcorp Genetics (formerly Invitae), Labcorp
Classification: Benign for Dilated cardiomyopathy 1G; Autosomal recessive limb-girdle muscular dystrophy type 2J. Last evaluated: 2026-01-11. Review status: criteria provided, single submitter. Criteria: Invitae Variant Classification Sherloc (09022015). Collection method: clinical testing. Allele origin: germline.

Blueprint Genetics
Classification: Likely benign. Last evaluated: 2024-07-01. Review status: criteria provided, single submitter. Criteria: ACMG Guidelines, 2015. Collection method: clinical testing. Allele origin: germline.

Genome-Nilou Lab
Classification: Benign for Autosomal recessive limb-girdle muscular dystrophy type 2J. Last evaluated: 2021-09-10. Review status: criteria provided, single submitter. Criteria: ACMG Guidelines, 2015. Collection method: clinical testing. Allele origin: germline. Affected: no.

Genome-Nilou Lab
Classification: Benign for Myopathy, myofibrillar, 9, with early respiratory failure. Last evaluated: 2021-09-10. Review status: criteria provided, single submitter. Criteria: ACMG Guidelines, 2015. Collection method: clinical testing. Allele origin: germline. Affected: no.

Genome-Nilou Lab
Classification: Benign for Early-onset myopathy with fatal cardiomyopathy. Last evaluated: 2021-09-10. Review status: criteria provided, single submitter. Criteria: ACMG Guidelines, 2015. Collection method: clinical testing. Allele origin: germline. Affected: no.

Genome-Nilou Lab
Classification: Benign for Tibial muscular dystrophy. Last evaluated: 2021-09-10. Review status: criteria provided, single submitter. Criteria: ACMG Guidelines, 2015. Collection method: clinical testing. Allele origin: germline. Affected: no.

GeneDx
Classification: Likely benign. Last evaluated: 2020-12-02. Review status: criteria provided, single submitter. Criteria: GeneDx Variant Classification Process June 2021. Collection method: clinical testing. Allele origin: germline. Affected: yes.

Ambry Genetics
Classification: Likely benign for Cardiovascular phenotype. Last evaluated: 2019-06-24. Review status: criteria provided, single submitter. Criteria: Ambry Variant Classification Scheme 2023. Collection method: clinical testing. Allele origin: germline.

Eurofins Ntd Llc (ga)
Classification: Likely benign. Last evaluated: 2016-10-20. Review status: criteria provided, single submitter. Criteria: EGL Classification Definitions 2015. Collection method: clinical testing. Allele origin: germline. Observed: 2 variant alleles, 2 heterozygotes.